The following is an entry in ClinVar:

NM_000257.4(MYH7):c.2145C>T (p.Tyr715=)

Gene: MYH7 (myosin heavy chain 7; minus strand). Cytogenetic location: 14q11.2.
Variant type: single nucleotide variant.
Coding change: c.2145C>T on transcript NM_000257.4 (MANE Select); coding-DNA position 2145, C replaced by T.
Protein change: p.Tyr715=; no amino-acid change (tyrosine 715 retained).
Molecular consequence: synonymous variant.
Genome position (GRCh38, 1-based): chr14:23,425,981, G>A on the plus strand (C>T on the coding strand, the complement: MYH7 is on the minus strand). VCF-style: chr14-23425981-G-A. GRCh37 (hg19) VCF-style: chr14-23895190-G-A.
Other names: c.2145C>T (LRG_384t1).
Identifiers: ClinVar variation 255628 (VCV000255628.19), dbSNP rs146675572, ClinGen allele CA031285.
Genomic context (GRCh38, chr14:23,425,981, plus strand): 5'-GGCTCCCCCTGTTCTATGAGCTCTGGTGCACCCTCATACCCACCTCTGCCGGAAGTCCCC[G>A]TAGAGGATGCGGTTGGGGAAGCCTTTCCTGCAGATGCGGATGCCCTCCAGCACACCATTG-3'
Protein context (NP_000248.2, residues 705-725): CRKGFPNRIL[Tyr715=]GDFRQRYRIL

ClinVar aggregate classification (germline): Likely benign. Review status: criteria provided, multiple submitters, no conflicts (2 of 4 stars). 7 submissions from 7 submitters: Likely benign (7). Last evaluated 2025-11-18.

Conditions:
Cardiovascular phenotype. Identifiers: MedGen CN230736.
Cardiomyopathy (CMYO). Also called: Cardiomyopathies. Identifiers: Orphanet 167848, MedGen C0878544, MONDO:0004994, HP:0001638. Inheritance: Various modes of inheritance.
Hypertrophic cardiomyopathy. Also called: HYPERTROPHIC MYOCARDIOPATHY. Identifiers: Orphanet 217569, MedGen C0007194, MeSH D002312, MONDO:0005045, HP:0001639.

Allele frequency attached by ClinVar (database versions not stated): ExAC 0.00002; gnomAD exomes 0.00002 and 0.00004; TOPMed 0.00004; gnomAD 0.00006; ESP Exome Variant Server 0.00008.
gnomAD v4.1: 72 of 1,613,932 alleles (0.0045%); highest among the groups gnomAD compares: East Asian, 0.011%; no homozygotes.

Submissions (7):

Labcorp Genetics (formerly Invitae), Labcorp
Classification: Likely benign for Hypertrophic cardiomyopathy. Last evaluated: 2025-11-18. Review status: criteria provided, single submitter. Criteria: Invitae Variant Classification Sherloc (09022015). Collection method: clinical testing. Allele origin: germline.

All of Us Research Program, National Institutes of Health
Classification: Likely benign for Cardiomyopathy. Last evaluated: 2023-12-13. Review status: criteria provided, single submitter. Criteria: ACMG Guidelines, 2015. Collection method: clinical testing. Allele origin: germline. Inheritance: Autosomal dominant inheritance. Observed: 8 variant alleles, 8 heterozygotes.
Comment: This study involves interpretation of variants in research participants for the purpose of population health screening. Participant phenotype was not available at the time of variant classification. Additional details can be found in publication PMID: 35346344, PMCID: PMC8962531

Blueprint Genetics
Classification: Likely benign. Last evaluated: 2023-09-15. Review status: criteria provided, single submitter. Criteria: ACMG Guidelines, 2015. Collection method: clinical testing. Allele origin: germline.

Ambry Genetics
Classification: Likely benign for Cardiovascular phenotype. Last evaluated: 2021-01-25. Review status: criteria provided, single submitter. Criteria: Ambry Variant Classification Scheme 2023. Collection method: clinical testing. Allele origin: germline.

Color Diagnostics, LLC DBA Color Health
Classification: Likely benign for Cardiomyopathy. Last evaluated: 2019-09-09. Review status: criteria provided, single submitter. Criteria: ACMG Guidelines, 2015. Collection method: clinical testing. Allele origin: germline.

CHEO Genetics Diagnostic Laboratory, Children's Hospital of Eastern Ontario
Classification: Likely benign for Cardiomyopathy. Last evaluated: 2016-08-18. Review status: criteria provided, single submitter. Criteria: ACMG Guidelines, 2015. Collection method: clinical testing. Allele origin: germline. Study: Canadian Open Genetics Repository.

PreventionGenetics, part of Exact Sciences
Classification: Likely benign. Review status: criteria provided, single submitter. Criteria: ACMG Guidelines, 2015. Collection method: clinical testing. Allele origin: germline.